The following is an entry in ClinVar:

NM_006947.4(SRP72):c.428A>T (p.Tyr143Phe)

Gene: SRP72 (signal recognition particle 72; plus strand). Cytogenetic location: 4q12.
Variant type: single nucleotide variant.
Coding change: c.428A>T on transcript NM_006947.4 (MANE Select); coding-DNA position 428, A replaced by T.
Protein change: p.Tyr143Phe; replaces tyrosine 143 with phenylalanine.
Molecular consequence: missense variant. On other transcripts: non-coding transcript variant (1).
Genome position (GRCh38, 1-based): chr4:56,474,127, A>T. VCF-style: chr4-56474127-A-T. GRCh37 (hg19) VCF-style: chr4-57340293-A-T.
Other names: c.428A>T, p.Tyr143Phe (NM_001267722.2); short protein forms Y143F.
Identifiers: ClinVar variation 5030239 (VCV005030239.1).

ClinVar aggregate classification (germline): Uncertain significance (1 of 4 stars; one submission).

Submission:

Ambry Genetics
Classification: Uncertain significance. Last evaluated: 2026-07-20. Review status: criteria provided, single submitter. Criteria: Ambry Variant Classification Scheme 2023. Collection method: clinical testing. Allele origin: germline.
Comment: The p.Y143F variant (also known as c.428A>T), located in coding exon 4 of the SRP72 gene, results from an A to T substitution at nucleotide position 428. The tyrosine at codon 143 is replaced by phenylalanine, an amino acid with highly similar properties. This amino acid position is conserved. In addition, the in silico prediction for this alteration is inconclusive. Based on the available evidence, the clinical significance of this variant remains unclear.